The following is an entry in ClinVar:

NM_000088.4(COL1A1):c.2089del (p.Arg697fs)

Gene: COL1A1 (collagen type I alpha 1 chain; minus strand). Cytogenetic location: 17q21.33.
Variant type: Deletion.
Coding change: c.2089del on transcript NM_000088.4 (MANE Select); coding-DNA position 2089, one base deleted (C; older notation c.2089delC).
Protein change: p.Arg697fs; shifts the reading frame from arginine 697.
Molecular consequence: frameshift variant.
Genome position (GRCh38, 1-based): chr17:50,191,826, G deleted on the plus strand (C on the coding strand, the reverse complement: COL1A1 is on the minus strand); the first of 4 consecutive G bases (chr17:50,191,826-50,191,829); deleting any one gives the same sequence. VCF-style (leftmost placement, unchanged base first): chr17-50191825-CG-C. GRCh37 (hg19) VCF-style: chr17-48269186-CG-C.
Other names: short protein forms R697fs.
Identifiers: ClinVar variation 2034065 (VCV002034065.4), dbSNP rs2509200404, ClinGen allele CA2580094269.

ClinVar aggregate classification (germline): Pathogenic (1 of 4 stars; one submission).

Conditions:
Osteogenesis imperfecta type I (OI1). Also called: OI, TYPE I; OSTEOGENESIS IMPERFECTA TARDA; OSTEOGENESIS IMPERFECTA WITH BLUE SCLERAE; Osteogenesis imperfecta type 1; Classic Non-deforming Osteogenesis Imperfecta with Blue Sclerae; Lobstein disease. Identifiers: Orphanet 216796, Orphanet 666, MedGen C0023931, MONDO:0008146, OMIM 166200. Disease mechanism: loss of function.

Submission:

Labcorp Genetics (formerly Invitae), Labcorp
Classification: Pathogenic for Osteogenesis imperfecta type I. Last evaluated: 2022-10-04. Review status: criteria provided, single submitter. Criteria: Invitae Variant Classification Sherloc (09022015). Collection method: clinical testing. Allele origin: germline.
Comment: This sequence change creates a premature translational stop signal (p.Arg697Glufs*69) in the COL1A1 gene. It is expected to result in an absent or disrupted protein product. Loss-of-function variants in COL1A1 are known to be pathogenic (PMID: 7942841, 9295084, 9443882). This variant is not present in population databases (gnomAD no frequency). This variant has not been reported in the literature in individuals affected with COL1A1-related conditions. For these reasons, this variant has been classified as Pathogenic.

Literature cited by the submitters: PubMed 7942841; PubMed 9295084; PubMed 9443882.